The following is an entry in ClinVar:

NM_000102.4(CYP17A1):c.1304T>C (p.Phe435Ser)

Gene: CYP17A1 (cytochrome P450 family 17 subfamily A member 1; minus strand). Cytogenetic location: 10q24.32.
Variant type: single nucleotide variant.
Coding change: c.1304T>C on transcript NM_000102.4 (MANE Select); coding-DNA position 1304, T replaced by C.
Protein change: p.Phe435Ser; replaces phenylalanine 435 with serine.
Molecular consequence: missense variant.
Genome position (GRCh38, 1-based): chr10:102,830,925, A>G on the plus strand (T>C on the coding strand, the complement: CYP17A1 is on the minus strand). VCF-style: chr10-102830925-A-G. GRCh37 (hg19) VCF-style: chr10-104590682-A-G.
Other names: c.1304T>C (NM_000102.3); short protein forms F435S.
Identifiers: ClinVar variation 2972671 (VCV002972671.4), dbSNP rs2493234387, ClinGen allele CA377938260.

ClinVar aggregate classification (germline): Pathogenic/Likely pathogenic. Review status: criteria provided, multiple submitters, no conflicts (2 of 4 stars). 2 submissions from 2 submitters: Pathogenic (1); Likely pathogenic (1). Last evaluated 2024-11-04.

Conditions:
Deficiency of steroid 17-alpha-monooxygenase. Also called: 17-alpha-hydroxylase/17,20-lyase deficiency; 17-ALPHA-HYDROXYLASE DEFICIENCY; Congenital adrenal hyperplasia due to 17-alpha-hydroxylase deficiency; Congenital adrenal hyperplasia type 5; ADRENAL HYPERPLASIA V. Identifiers: Orphanet 90793, MedGen C0268285, MONDO:0008730, OMIM 202110.

Submissions (2):

Natera, Inc.
Classification: Likely pathogenic for Deficiency of steroid 17-alpha-monooxygenase. Last evaluated: 2024-11-04. Review status: criteria provided, single submitter. Criteria: Natera Variant Classification Schema (03/2026). Collection method: clinical testing. Allele origin: germline.
Comment: The c.1304T>C variant in CYP17A1 is a missense variant predicted to cause substitution of phenylalanine to serine at amino acid 435. This variant is rare in the general population with a frequency below the threshold expected for the associated phenotype(s). This variant has been observed in one or more individuals affected with the associated recessive disease, as either homozygous or compound heterozygous with a second variant (PMID: 31695722, 34097983, 35810428). Computational prediction algorithms indicate this variant is likely to affect gene or protein function. Given the available evidence, this variant is classified as Likely Pathogenic.

Labcorp Genetics (formerly Invitae), Labcorp
Classification: Pathogenic. Last evaluated: 2022-10-18. Review status: criteria provided, single submitter. Criteria: Invitae Variant Classification Sherloc (09022015). Collection method: clinical testing. Allele origin: germline.
Comment: This sequence change replaces phenylalanine, which is neutral and non-polar, with serine, which is neutral and polar, at codon 435 of the CYP17A1 protein (p.Phe435Ser). This variant is not present in population databases (gnomAD no frequency). This missense change has been observed in individual(s) with clinical features of CYP17A1-related conditions (PMID: 31695722; Invitae). In at least one individual the data is consistent with being in trans (on the opposite chromosome) from a pathogenic variant. Algorithms developed to predict the effect of missense changes on protein structure and function (SIFT, PolyPhen-2, Align-GVGD) all suggest that this variant is likely to be disruptive. Experimental studies have shown that this missense change affects CYP17A1 function (PMID: 31695722). For these reasons, this variant has been classified as Pathogenic.

Literature cited by the submitters: PubMed 31695722 (cited by Natera, Inc. and Labcorp Genetics (formerly Invitae), Labcorp); PubMed 34097983 (cited by Natera, Inc.); PubMed 35810428 (cited by Natera, Inc.).